The following is an entry in ClinVar:

ClinVar aggregate classification (germline): Pathogenic/Likely pathogenic. Review status: criteria provided, multiple submitters, no conflicts (2 of 4 stars). 3 submissions from 3 submitters: Pathogenic (1); Likely pathogenic (1). 1 of the submissions does not count toward it. Last evaluated 2022-04-13.

Conditions:
Sandhoff disease. Also called: GM2-GANGLIOSIDOSIS, TYPE II; HEXOSAMINIDASES A AND B DEFICIENCY; Beta-hexosaminidase-beta-subunit deficiency; GM2 gangliosidosis, type 2; Total hexosaminidase deficiency; Sandhoff-Jatzkewitz-Pilz disease. Identifiers: Orphanet 796, MedGen C0036161, MONDO:0010006, OMIM 268800.

Submissions (3):

Labcorp Genetics (formerly Invitae), Labcorp
Classification: Pathogenic for Sandhoff disease. Last evaluated: 2022-04-13. Review status: criteria provided, single submitter. Criteria: Invitae Variant Classification Sherloc (09022015). Collection method: clinical testing. Allele origin: germline.
Comment: For these reasons, this variant has been classified as Pathogenic. This variant disrupts a region of the HEXB protein in which other variant(s) (p.Gly549Arg) have been determined to be pathogenic (PMID: 24022928, 27021291, 28281504). This suggests that this is a clinically significant region of the protein, and that variants that disrupt it are likely to be disease-causing. Algorithms developed to predict the effect of sequence changes on RNA splicing suggest that this variant may disrupt the consensus splice site. ClinVar contains an entry for this variant (Variation ID: 550455). This variant is also known as c.1611_1613+2del. This variant has not been reported in the literature in individuals affected with HEXB-related conditions. This variant is not present in population databases (gnomAD no frequency). This sequence change creates a premature translational stop signal (p.Val537Thrfs*14) in the HEXB gene. While this is not anticipated to result in nonsense mediated decay, it is expected to disrupt the last 20 amino acids of the HEXB protein.

Women's Health and Genetics/Laboratory Corporation of America, LabCorp
Classification: Likely pathogenic for Sandhoff disease. Last evaluated: 2021-11-23. Review status: criteria provided, single submitter. Criteria: LabCorp Variant Classification Summary - May 2015. Collection method: clinical testing. Allele origin: germline.
Comment: Variant summary: HEXB c.1611_1613+2delCGAGT is located in a canonical splice-site and is predicted to affect mRNA splicing resulting in a significantly altered protein. Several computational tools predict a significant impact on normal splicing: Four predict the variant abolishes a 5 splicing donor site and predict the variant creates a 5 prime donor site that is out-of-frame with the canonical splice site. However, these predictions have yet to be confirmed by functional studies. The variant was absent in 251220 control chromosomes. To our knowledge, no occurrence of c.1611_1613+2delCGAGT in individuals affected with Sandhoff Disease and no experimental evidence demonstrating its impact on protein function have been reported. One ClinVar submitter has classified this variant (after 2014) and they assessed the variant to be likely pathogenic. Based on the evidence outlined above, the variant was classified as likely pathogenic.

Counsyl
Classification: Likely pathogenic for Sandhoff disease. Last evaluated: 2017-01-19. Review status: no assertion criteria provided. Collection method: clinical testing. Allele origin: unknown. Not counted in ClinVar's aggregate classification.

Literature cited by the submitters: PubMed 24022928 (cited by Labcorp Genetics (formerly Invitae), Labcorp); PubMed 27021291 (cited by Labcorp Genetics (formerly Invitae), Labcorp); PubMed 28281504 (cited by Labcorp Genetics (formerly Invitae), Labcorp).

NM_000521.4(HEXB):c.1611_1613+2del

Gene: HEXB (hexosaminidase subunit beta; plus strand). Cytogenetic location: 5q13.3.
Variant type: Deletion.
Coding change: c.1611_1613+2del on transcript NM_000521.4 (MANE Select); coding-DNA position 1611 through the canonical splice donor site of the intron after coding-DNA position 1613, 5 bases deleted (CGAGT; older notation c.1611_1613+2delCGAGT).
Molecular consequence: splice donor variant.
Genome position (GRCh38, 1-based): chr5:74,720,745-74,720,749, CGAGT deleted; deleting any 5 consecutive bases within chr5:74,720,743-74,720,749 gives the same sequence; the c. name uses the placement nearest the transcript's 3' end. VCF-style (leftmost placement, unchanged base first): chr5-74720742-GGTCGA-G. GRCh37 (hg19) VCF-style: chr5-74016567-GGTCGA-G.
Other names: c.936_938+2del (NM_001292004.2).
Identifiers: ClinVar variation 550455 (VCV000550455.9), dbSNP rs1554037170, ClinGen allele CA658822014.